The following is an entry in ClinVar:

ClinVar aggregate classification (germline): Conflicting classifications of pathogenicity. Review status: criteria provided, conflicting classifications (1 of 4 stars). 3 submissions from 3 submitters: Uncertain significance (2); Likely benign (1). Last evaluated 2025-05-19.

Conditions:
Hereditary cancer-predisposing syndrome. Also called: Tumor predisposition; Hereditary Cancer Syndrome; Hereditary neoplastic syndrome; Neoplastic Syndromes, Hereditary. Identifiers: Orphanet 140162, MedGen C0027672, MeSH D009386, MONDO:0015356.
Hereditary breast ovarian cancer syndrome. Also called: Breast and ovarian cancer; Hereditary breast and ovarian cancer; Hereditary breast and/or ovarian cancer syndrome; BRCA1- and BRCA2-Associated Hereditary Breast and Ovarian Cancer; Hereditary breast and ovarian cancer syndrome (HBOC); Hereditary breast and ovarian cancer syndrome. Identifiers: Orphanet 145, MedGen C0677776, MeSH D061325, MONDO:0003582. Disease mechanism: loss of function.

gnomAD v4.1: 1 of 1,613,328 alleles (0.000062%); highest among the groups gnomAD compares: Non-Finnish European, 0.000085%; no homozygotes.

Submissions (3):

Ambry Genetics
Classification: Likely benign for Hereditary cancer-predisposing syndrome. Last evaluated: 2025-05-19. Review status: criteria provided, single submitter. Criteria: Ambry Variant Classification Scheme 2023. Collection method: clinical testing. Allele origin: germline.

Labcorp Genetics (formerly Invitae), Labcorp
Classification: Uncertain significance for Hereditary breast ovarian cancer syndrome. Last evaluated: 2022-10-02. Review status: criteria provided, single submitter. Criteria: Invitae Variant Classification Sherloc (09022015). Collection method: clinical testing. Allele origin: germline.
Comment: ClinVar contains an entry for this variant (Variation ID: 182245). This sequence change replaces alanine, which is neutral and non-polar, with threonine, which is neutral and polar, at codon 2603 of the BRCA2 protein (p.Ala2603Thr). This variant is not present in population databases (gnomAD no frequency). This variant has not been reported in the literature in individuals affected with BRCA2-related conditions. Algorithms developed to predict the effect of missense changes on protein structure and function (SIFT, PolyPhen-2, Align-GVGD) all suggest that this variant is likely to be disruptive. In summary, the available evidence is currently insufficient to determine the role of this variant in disease. Therefore, it has been classified as a Variant of Uncertain Significance.

GeneDx
Classification: Uncertain significance. Last evaluated: 2015-02-24. Review status: criteria provided, single submitter. Criteria: GeneDx Variant Classification (06012015). Collection method: clinical testing. Allele origin: germline. Affected: yes.
Comment: This variant is denoted BRCA2 c.7807G>A at the cDNA level, p.Ala2603Thr (A2603T) at the protein level, and results in the change of an Alanine to a Threonine (GCT>ACT). Using alternate nomenclature, this variant would be defined as BRCA2 8035G>A. This variant has not, to our knowledge, been published in the literature as pathogenic or benign. BRCA2 Ala2603Thr was not observed in approximately 6,500 individuals of European and African American ancestry in the NHLBI Exome Sequencing Project, indicating it is not a common benign variant in these populations. Since Alanine and Threonine differ in polarity, charge, size or other properties, this is considered a non-conservative amino acid substitution. BRCA2 Ala2603Thr occurs at a position that is highly conserved across species and is not located in a known functional domain (Roy 2012). In silico analyses predict that this variant is probably damaging to protein structure and function. Based on currently available information, it is unclear whether BRCA2 Ala2603Thr is pathogenic or benign. We consider it to be a variant of uncertain significance.

Literature cited by the submitters: PubMed 32444794 (cited by Ambry Genetics).

NM_000059.4(BRCA2):c.7807G>A (p.Ala2603Thr)

Gene: BRCA2 (BRCA2 DNA repair associated; plus strand). Cytogenetic location: 13q13.1.
Variant type: single nucleotide variant.
Coding change: c.7807G>A on transcript NM_000059.4 (MANE Select); coding-DNA position 7807, G replaced by A.
Protein change: p.Ala2603Thr; replaces alanine 2603 with threonine.
Molecular consequence: missense variant.
Genome position (GRCh38, 1-based): chr13:32,362,524, G>A. VCF-style: chr13-32362524-G-A. GRCh37 (hg19) VCF-style: chr13-32936661-G-A.
Other names: p.A2603T:GCT>ACT; short protein forms A2603T.
Identifiers: ClinVar variation 182245 (VCV000182245.14), dbSNP rs730881560, ClinGen allele CA025294.
Genomic context (GRCh38, chr13:32,362,524, plus strand): 5'-TTGAATTCAGTATCATCCTATGTGGTTTTTATGATAATATTCTACTTTTATTTGTTCAGG[G>A]CTCTGTGTGACACTCCAGGTGTGGATCCAAAGCTTATTTCTAGAATTTGGGTTTATAATC-3'
Protein context (NP_000050.3, residues 2593-2613): GKAGKEEFYR[Ala2603Thr]LCDTPGVDPK